The following is an entry in ClinVar:

NM_002354.3(EPCAM):c.160C>G (p.Gln54Glu)

Gene: EPCAM (epithelial cell adhesion molecule; plus strand). Cytogenetic location: 2p21.
Variant type: single nucleotide variant.
Coding change: c.160C>G on transcript NM_002354.3 (MANE Select); coding-DNA position 160, C replaced by G.
Protein change: p.Gln54Glu; replaces glutamine 54 with glutamic acid.
Molecular consequence: missense variant.
Genome position (GRCh38, 1-based): chr2:47,373,546, C>G. VCF-style: chr2-47373546-C-G. GRCh37 (hg19) VCF-style: chr2-47600685-C-G.
Other names: short protein forms Q54E.
Identifiers: ClinVar variation 3222086 (VCV003222086.1), dbSNP rs2103745906, ClinGen allele CA346722623.
Genomic context (GRCh38, chr2:47,373,546, plus strand): 5'-CTGGCCGTAAACTGCTTTGTGAATAATAATCGTCAATGCCAGTGTACTTCAGTTGGTGCA[C>G]AAAATACTGTCATTTGCTCAAAGCGTGAGTAAAATATCCTAATTACCTGTAAGCTTTATT-3'
Protein context (NP_002345.2, residues 44-64): RQCQCTSVGA[Gln54Glu]NTVICSKLAA

ClinVar aggregate classification (germline): Uncertain significance (1 of 4 stars; one submission).

Conditions:
Hereditary cancer-predisposing syndrome. Also called: Tumor predisposition; Hereditary neoplastic syndrome; Hereditary Cancer Syndrome; Neoplastic Syndromes, Hereditary. Identifiers: Orphanet 140162, MedGen C0027672, MeSH D009386, MONDO:0015356.

Allele frequency attached by ClinVar (database versions not stated): gnomAD exomes below 0.00001.
gnomAD v4.1: 1 of 1,612,550 alleles (0.000062%); highest among the groups gnomAD compares: Non-Finnish European, 0.000085%; no homozygotes.

Submission:

Ambry Genetics
Classification: Uncertain significance for Hereditary cancer-predisposing syndrome. Last evaluated: 2024-01-19. Review status: criteria provided, single submitter. Criteria: Ambry Variant Classification Scheme 2023. Collection method: clinical testing. Allele origin: germline.
Comment: The p.Q54E variant (also known as c.160C>G), located in coding exon 2 of the EPCAM gene, results from a C to G substitution at nucleotide position 160. The glutamine at codon 54 is replaced by glutamic acid, an amino acid with highly similar properties. This amino acid position is conserved. In addition, this alteration is predicted to be tolerated by in silico analysis. Based on the available evidence, the clinical significance of this alteration remains unclear.